The following is an entry in ClinVar:

NM_004563.4(PCK2):c.707_708insA (p.Ile237fs)

Genes: NRL (neural retina leucine zipper; minus strand), PCK2 (phosphoenolpyruvate carboxykinase 2, mitochondrial; plus strand). Cytogenetic location: 14q11.2.
Variant type: Insertion.
Coding change: c.707_708insA on transcript NM_004563.4 (MANE Select); coding-DNA positions 707 to 708, A inserted.
Protein change: p.Ile237fs; shifts the reading frame from isoleucine 237.
Molecular consequence: frameshift variant. On other transcripts: intron variant (3).
Genome position: GRCh38 VCF-style: chr14-24099091-T-TA. GRCh37 (hg19) VCF-style: chr14-24568300-T-TA.
Other names: c.-28+15630_-28+15631insT (NM_001354768.3, NM_001354770.2); c.-253-14347_-253-14346insT (NM_006177.5); c.707_708insA, p.Ile237fs (NM_001018073.3); c.305_306insA, p.Ile103fs (NM_001291556.2, NM_001308054.2); short protein forms I103fs, I237fs.
Identifiers: ClinVar variation 2046057 (VCV002046057.3), dbSNP rs753867230, ClinGen allele CA7123205.

ClinVar aggregate classification (germline): Uncertain significance (1 of 4 stars; one submission).

Allele frequency attached by ClinVar (database versions not stated): gnomAD 0.00044; gnomAD exomes 0.00081; ESP Exome Variant Server 0.00040; ExAC 0.00042.

Submission:

Labcorp Genetics (formerly Invitae), Labcorp
Classification: Uncertain significance. Last evaluated: 2024-11-25. Review status: criteria provided, single submitter. Criteria: Invitae Variant Classification Sherloc (09022015). Collection method: clinical testing. Allele origin: germline.
Comment: This sequence change creates a premature translational stop signal (p.Ile237Aspfs*40) in the PCK2 gene. It is expected to result in an absent or disrupted protein product. However, the current clinical and genetic evidence is not sufficient to establish whether loss-of-function variants in PCK2 cause disease. This variant is present in population databases (rs753867230, gnomAD 0.08%), and has an allele count higher than expected for a pathogenic variant. This variant has not been reported in the literature in individuals affected with PCK2-related conditions. ClinVar contains an entry for this variant (Variation ID: 2046057). Algorithms developed to predict the effect of sequence changes on RNA splicing suggest that this variant may disrupt the consensus splice site. In summary, the available evidence is currently insufficient to determine the role of this variant in disease. Therefore, it has been classified as a Variant of Uncertain Significance.